The following is an entry in ClinVar:

NM_001206927.2(DNAH8):c.6694G>A (p.Val2232Ile)

Gene: DNAH8 (dynein axonemal heavy chain 8; plus strand). Cytogenetic location: 6p21.2.
Variant type: single nucleotide variant.
Coding change: c.6694G>A on transcript NM_001206927.2 (MANE Select); coding-DNA position 6694, G replaced by A.
Protein change: p.Val2232Ile; replaces valine 2232 with isoleucine.
Molecular consequence: missense variant.
Genome position (GRCh38, 1-based): chr6:38,868,062, G>A. VCF-style: chr6-38868062-G-A. GRCh37 (hg19) VCF-style: chr6-38835838-G-A.
Other names: c.6043G>A, p.Val2015Ile (NM_001371.4); short protein forms V2015I, V2232I.
Identifiers: ClinVar variation 646262 (VCV000646262.7), dbSNP rs141684275, ClinGen allele CA3789741.

ClinVar aggregate classification (germline): Uncertain significance. Review status: criteria provided, multiple submitters, no conflicts (2 of 4 stars). 2 submissions from 2 submitters: Uncertain significance (2). Last evaluated 2025-11-20.

Conditions:
Primary ciliary dyskinesia. Also called: Ciliary dyskinesia. Identifiers: Orphanet 244, MedGen C0008780, MONDO:0016575, HP:0012265.

Allele frequency attached by ClinVar (database versions not stated): gnomAD exomes 0.00009; 1000 Genomes Project 30x 0.00016; 1000 Genomes Project 0.00020; gnomAD 0.00030 and 0.00031; TOPMed 0.00031; ESP Exome Variant Server 0.00038.
gnomAD v4.1: 82 of 1,605,688 alleles (0.0051%); highest among the groups gnomAD compares: African/African-American, 0.1%; no homozygotes.

Submissions (2):

Ambry Genetics
Classification: Uncertain significance. Last evaluated: 2025-11-20. Review status: criteria provided, single submitter. Criteria: Ambry Variant Classification Scheme 2023. Collection method: clinical testing. Allele origin: germline.

Labcorp Genetics (formerly Invitae), Labcorp
Classification: Uncertain significance for Primary ciliary dyskinesia. Last evaluated: 2022-03-16. Review status: criteria provided, single submitter. Criteria: Invitae Variant Classification Sherloc (09022015). Collection method: clinical testing. Allele origin: germline.
Comment: This sequence change replaces valine, which is neutral and non-polar, with isoleucine, which is neutral and non-polar, at codon 2232 of the DNAH8 protein (p.Val2232Ile). This variant is present in population databases (rs141684275, gnomAD 0.1%). This variant has not been reported in the literature in individuals affected with DNAH8-related conditions. ClinVar contains an entry for this variant (Variation ID: 646262). Algorithms developed to predict the effect of missense changes on protein structure and function are either unavailable or do not agree on the potential impact of this missense change (SIFT: "Deleterious"; PolyPhen-2: "Not Available"; Align-GVGD: "Class C0"). In summary, the available evidence is currently insufficient to determine the role of this variant in disease. Therefore, it has been classified as a Variant of Uncertain Significance.